The following is an entry in ClinVar:

ClinVar aggregate classification (germline): Conflicting classifications of pathogenicity. Review status: criteria provided, conflicting classifications (1 of 4 stars). 3 submissions from 3 submitters: Uncertain significance (1); Likely benign (1). 1 of the submissions does not count toward it. Last evaluated 2025-07-14.

Conditions:
Breast-ovarian cancer, familial, susceptibility to, 1 (BROVCA1). Also called: BRCA1 Hereditary Breast and Ovarian Cancer; OVARIAN CANCER, SUSCEPTIBILITY TO. Identifiers: Orphanet 145, MedGen C2676676, MONDO:0011450, OMIM 604370. Disease mechanism: loss of function.
Hereditary cancer-predisposing syndrome. Also called: Hereditary Cancer Syndrome; Hereditary neoplastic syndrome; Neoplastic Syndromes, Hereditary; Tumor predisposition. Identifiers: Orphanet 140162, MedGen C0027672, MeSH D009386, MONDO:0015356.
Hereditary breast ovarian cancer syndrome. Also called: BRCA1- and BRCA2-Associated Hereditary Breast and Ovarian Cancer; Hereditary breast and ovarian cancer syndrome; Hereditary breast and ovarian cancer syndrome (HBOC); Breast and ovarian cancer; Hereditary breast and/or ovarian cancer syndrome; Hereditary breast and ovarian cancer. Identifiers: Orphanet 145, MedGen C0677776, MeSH D061325, MONDO:0003582. Disease mechanism: loss of function.

Submissions (3):

Ambry Genetics
Classification: Uncertain significance for Hereditary cancer-predisposing syndrome. Last evaluated: 2025-07-14. Review status: criteria provided, single submitter. Criteria: Ambry Variant Classification Scheme 2023. Collection method: clinical testing. Allele origin: germline.
Comment: The p.S157P variant (also known as c.469T>C), located in coding exon 6 of the BRCA1 gene, results from a T to C substitution at nucleotide position 469. The serine at codon 157 is replaced by proline, an amino acid with similar properties. This amino acid position is well conserved in available vertebrate species. In addition, this alteration is predicted to be deleterious by in silico analysis. Based on the available evidence, the clinical significance of this variant remains unclear.

Labcorp Genetics (formerly Invitae), Labcorp
Classification: Likely benign for Hereditary breast ovarian cancer syndrome. Last evaluated: 2025-07-06. Review status: criteria provided, single submitter. Criteria: Invitae Variant Classification Sherloc (09022015). Collection method: clinical testing. Allele origin: germline.

Breast Cancer Information Core (BIC) (BRCA1)
Classification: Uncertain significance for Breast-ovarian cancer, familial 1. Last evaluated: 2004-11-25. Review status: no assertion criteria provided. Collection method: clinical testing. Allele origin: germline. Affected: yes. Observed: 2 variant alleles. Not counted in ClinVar's aggregate classification.

NM_007294.4(BRCA1):c.469T>C (p.Ser157Pro)

Gene: BRCA1 (BRCA1 DNA repair associated; minus strand). Cytogenetic location: 17q21.31.
Variant type: single nucleotide variant.
Coding change: c.469T>C on transcript NM_007294.4 (MANE Select); coding-DNA position 469, T replaced by C.
Protein change: p.Ser157Pro; replaces serine 157 with proline.
Molecular consequence: missense variant. On other transcripts: non-coding transcript variant (1).
Genome position (GRCh38, 1-based): chr17:43,099,853, A>G on the plus strand (T>C on the coding strand, the complement: BRCA1 is on the minus strand). VCF-style: chr17-43099853-A-G. GRCh37 (hg19) VCF-style: chr17-41251870-A-G.
Other names: c.325T>C, p.Ser109Pro (NM_001408465.1, NM_001408468.1, NM_001408470.1 and 35 more transcripts); c.328T>C, p.Ser110Pro (NM_001408466.1, NM_001408467.1, NM_001408469.1 and 61 more transcripts); c.469T>C, p.Ser157Pro (NM_001408472.1, NM_001408494.1, NM_007298.4 and 97 more transcripts); c.466T>C, p.Ser156Pro (NM_001408473.1, NM_001408495.1, NM_001407587.1 and 65 more transcripts); c.391T>C, p.Ser131Pro (NM_001408474.1, NM_001408476.1, NM_001407653.1 and 12 more transcripts); c.388T>C, p.Ser130Pro (NM_001408475.1, NM_001407659.1, NM_001407660.1 and 6 more transcripts); c.259T>C, p.Ser87Pro (NM_001408478.1, NM_001408479.1, NM_001408480.1 and 37 more transcripts); c.256T>C, p.Ser86Pro (NM_001408490.1, NM_001408491.1, NM_001408493.1 and 18 more transcripts); and 4 more; short protein forms S157P, S110P, S130P, S131P, S112P, S29P, S30P, S154P.
Identifiers: ClinVar variation 55264 (VCV000055264.13), dbSNP rs80356897, ClinGen allele CA002983.